The following is an entry in ClinVar:

NM_001130823.3(DNMT1):c.4630A>G (p.Thr1544Ala)

Genes: DNMT1 (DNA methyltransferase 1; minus strand), LOC126862853 (CDK7 strongly-dependent group 2 enhancer GRCh37_chr19:10246117-10247316; plus strand). Cytogenetic location: 19p13.2.
Variant type: single nucleotide variant.
Coding change: c.4630A>G on transcript NM_001130823.3 (MANE Select); coding-DNA position 4630, A replaced by G.
Protein change: p.Thr1544Ala; replaces threonine 1544 with alanine.
Molecular consequence: missense variant.
Genome position (GRCh38, 1-based): chr19:10,136,147, T>C on the plus strand (A>G on the coding strand, the complement: DNMT1 is on the minus strand). VCF-style: chr19-10136147-T-C. GRCh37 (hg19) VCF-style: chr19-10246823-T-C.
Other names: c.4591A>G, p.Thr1531Ala (NM_001318730.2); c.4267A>G, p.Thr1423Ala (NM_001318731.2); c.4582A>G, p.Thr1528Ala (NM_001379.4); short protein forms T1423A, T1528A, T1531A, T1544A.
Identifiers: ClinVar variation 1006732 (VCV001006732.11), dbSNP rs2089477268, ClinGen allele CA403968252.

ClinVar aggregate classification (germline): Uncertain significance (1 of 4 stars; one submission).

Conditions:
Hereditary sensory neuropathy-deafness-dementia syndrome. Also called: NEUROPATHY, HEREDITARY SENSORY, WITH HEARING LOSS AND DEMENTIA; Hereditary Sensory and Autonomic Neuropathy Type 1E (HSAN1E); HSN IE; Hereditary sensory neuropathy type IE. Identifiers: Orphanet 456318, MedGen C3279885, MONDO:0013584, OMIM 614116.

Submission:

Labcorp Genetics (formerly Invitae), Labcorp
Classification: Uncertain significance for Hereditary sensory neuropathy-deafness-dementia syndrome. Last evaluated: 2023-08-30. Review status: criteria provided, single submitter. Criteria: Invitae Variant Classification Sherloc (09022015). Collection method: clinical testing. Allele origin: germline.
Comment: In summary, the available evidence is currently insufficient to determine the role of this variant in disease. Therefore, it has been classified as a Variant of Uncertain Significance. Advanced modeling of protein sequence and biophysical properties (such as structural, functional, and spatial information, amino acid conservation, physicochemical variation, residue mobility, and thermodynamic stability) performed at Invitae indicates that this missense variant is expected to disrupt DNMT1 protein function. ClinVar contains an entry for this variant (Variation ID: 1006732). This variant has not been reported in the literature in individuals affected with DNMT1-related conditions. This variant is not present in population databases (gnomAD no frequency). This sequence change replaces threonine, which is neutral and polar, with alanine, which is neutral and non-polar, at codon 1544 of the DNMT1 protein (p.Thr1544Ala).